The following is an entry in ClinVar:

NM_019026.6(TMCO1):c.147dup (p.Leu50fs)

Gene: TMCO1 (transmembrane and coiled-coil domains 1; minus strand). Cytogenetic location: 1q24.1.
Variant type: Duplication.
Coding change: c.147dup on transcript NM_019026.6 (MANE Select); coding-DNA position 147, one base duplicated (A; older notation c.147dupA).
Protein change: p.Leu50fs; shifts the reading frame from leucine 50.
Molecular consequence: frameshift variant. On other transcripts: non-coding transcript variant (1).
Genome position (GRCh38, 1-based): chr1:165,768,193, T duplicated on the plus strand (A on the coding strand, the reverse complement: TMCO1 is on the minus strand); the first of 6 consecutive T bases (chr1:165,768,193-165,768,198); duplicating any one gives the same sequence. VCF-style (leftmost placement, unchanged base first): chr1-165768192-A-AT. GRCh37 (hg19) VCF-style: chr1-165737429-A-AT.
Other names: c.198dup, p.Leu67fs (NM_001256164.1); c.111dup, p.Leu38fs (NM_001256165.1); short protein forms L38fs, L50fs, L67fs.
Identifiers: ClinVar variation 1331642 (VCV001331642.4), dbSNP rs777163859, ClinGen allele CA1204552917.

ClinVar aggregate classification (germline): Likely pathogenic (1 of 4 stars; one submission).

Submission:

Greenwood Genetic Center Diagnostic Laboratories, Greenwood Genetic Center
Classification: Likely pathogenic. Last evaluated: 2021-01-12. Review status: criteria provided, single submitter. Criteria: ACMG Guidelines, 2015. Collection method: clinical testing. Allele origin: germline. Affected: yes.
Comment: PVS1, PM2